The following is an entry in ClinVar:

NM_001163435.3(TBCK):c.266+2T>G

Gene: TBCK (TBC1 domain containing kinase; minus strand). Cytogenetic location: 4q24.
Variant type: single nucleotide variant.
Coding change: c.266+2T>G on transcript NM_001163435.3 (MANE Select); the canonical splice donor site of the intron after coding-DNA position 266, T replaced by G.
Molecular consequence: splice donor variant.
Genome position (GRCh38, 1-based): chr4:106,295,092, A>C on the plus strand (T>G on the coding strand, the complement: TBCK is on the minus strand). VCF-style: chr4-106295092-A-C. GRCh37 (hg19) VCF-style: chr4-107216249-A-C.
Other names: c.266+2T>G (NM_001163436.4, NM_033115.5, NM_001163437.3); c.-352+2T>G (NM_001290768.2).
Identifiers: ClinVar variation 1491398 (VCV001491398.7), dbSNP rs1174436721, ClinGen allele CA357973057.

ClinVar aggregate classification (germline): Likely pathogenic. Review status: criteria provided, multiple submitters, no conflicts (2 of 4 stars). 2 submissions from 2 submitters: Likely pathogenic (2). Last evaluated 2025-01-15.

Conditions:
Hypotonia, infantile, with psychomotor retardation and characteristic facies 3 (IHPRF3). Also called: TBCK-Related Neurodevelopmental Disorder. Identifiers: Orphanet 488632, MedGen C5567480, MONDO:0014823, OMIM 616900.

Allele frequency attached by ClinVar (database versions not stated): TOPMed below 0.00001; gnomAD 0.00001.
gnomAD v4.1: 1 of 1,611,386 alleles (0.000062%); highest among the groups gnomAD compares: Non-Finnish European, 0.000085%; no homozygotes.

Submissions (2):

Broad Center for Mendelian Genomics, Broad Institute of MIT and Harvard
Classification: Likely pathogenic for Hypotonia, infantile, with psychomotor retardation and characteristic facies 3. Last evaluated: 2025-01-15. Review status: criteria provided, single submitter. Criteria: ACMG Guidelines, 2015. Collection method: curation. Allele origin: germline. Inheritance: Autosomal recessive inheritance.
Comment: The c.266+2T>G variant in TBCK has not been previously reported in the literature in individuals with TBCK-related intellectual disability syndrome, but has been identified in 0.00008% (1/1178266) of European (non-Finnish) chromosomes by the Genome Aggregation Database (gnomAD; dbSNP rs1174436721). Although this variant has been seen in the general population in a heterozygous state, its frequency is low enough to be consistent with a recessive carrier frequency. This variant has also been reported in ClinVar (Variation ID: 1491398) and has been interpreted as likely pathogenic by Invitae. This variant is located in the 3' splice region. SpliceAI predictions indicate use of an out-of-frame cryptic splice site 110 bases from the intron-exon boundary, providing evidence that this variant may cause a frameshift and lead to a premature termination codon downstream. This alteration is then predicted to lead to a truncated or absent protein. However, this information is not predictive enough to determine pathogenicity. Loss of function of the TBCK gene is an established disease mechanism in autosomal recessive TBCK-related intellectual disability syndrome. In summary, although additional studies are required to fully establish its clinical significance, this variant is likely pathogenic for autosomal recessive TBCK-related intellectual disability syndrome. ACMG/AMP Criteria applied: PVS1, PM2_supporting. (Richards 2015).

Labcorp Genetics (formerly Invitae), Labcorp
Classification: Likely pathogenic. Last evaluated: 2022-01-07. Review status: criteria provided, single submitter. Criteria: Invitae Variant Classification Sherloc (09022015). Collection method: clinical testing. Allele origin: germline.
Comment: This sequence change affects a donor splice site in intron 3 of the TBCK gene. It is expected to disrupt RNA splicing. Variants that disrupt the donor or acceptor splice site typically lead to a loss of protein function (PMID: 16199547), and loss-of-function variants in TBCK are known to be pathogenic (PMID: 27040692, 30103036). This variant is not present in population databases (gnomAD no frequency). In summary, the currently available evidence indicates that the variant is pathogenic, but additional data are needed to prove that conclusively. Therefore, this variant has been classified as Likely Pathogenic. Algorithms developed to predict the effect of sequence changes on RNA splicing suggest that this variant may disrupt the consensus splice site. This variant has not been reported in the literature in individuals affected with TBCK-related conditions.

Literature cited by the submitters: PubMed 16199547 (cited by Labcorp Genetics (formerly Invitae), Labcorp); PubMed 27040692 (cited by Labcorp Genetics (formerly Invitae), Labcorp); PubMed 30103036 (cited by Labcorp Genetics (formerly Invitae), Labcorp).